The following is an entry in ClinVar:

ClinVar aggregate classification (germline): Pathogenic/Likely pathogenic. Review status: criteria provided, multiple submitters, no conflicts (2 of 4 stars). 5 submissions from 5 submitters: Pathogenic (3); Likely pathogenic (1). 1 of the submissions does not count toward it. Last evaluated 2024-03-11.

Conditions:
Bardet-Biedl syndrome 6 (BBS6). Identifiers: Orphanet 110, MedGen C1858054, MONDO:0011523, OMIM 605231.
McKusick-Kaufman syndrome (MKKS). Also called: HYDROMETROCOLPOS SYNDROME; HYDROMETROCOLPOS, POSTAXIAL POLYDACTYLY, AND CONGENITAL HEART MALFORMATION. Identifiers: Orphanet 2473, MedGen C0948368, MONDO:0009367, OMIM 236700.
Bardet-Biedl syndrome (BBS). Identifiers: Orphanet 110, MedGen C0752166, MONDO:0015229.
MKKS-related disorder. Also called: MKKS-related condition; MKKS-related disorders.

Allele frequency attached by ClinVar (database versions not stated): gnomAD exomes below 0.00001 and 0.00001; gnomAD 0.00001; TOPMed 0.00001.

Submissions (5):

Labcorp Genetics (formerly Invitae), Labcorp
Classification: Pathogenic for McKusick-Kaufman syndrome; Bardet-Biedl syndrome. Last evaluated: 2024-03-11. Review status: criteria provided, single submitter. Criteria: Invitae Variant Classification Sherloc (09022015). Collection method: clinical testing. Allele origin: germline.
Comment: This sequence change creates a premature translational stop signal (p.Cys127Serfs*32) in the MKKS gene. It is expected to result in an absent or disrupted protein product. Loss-of-function variants in MKKS are known to be pathogenic (PMID: 11179009, 28761321, 30614526). This variant is not present in population databases (gnomAD no frequency). This premature translational stop signal has been observed in individual(s) with Bardet-Biedl syndrome (PMID: 21209035). ClinVar contains an entry for this variant (Variation ID: 939663). For these reasons, this variant has been classified as Pathogenic.

Fulgent Genetics
Classification: Pathogenic for McKusick-Kaufman syndrome; Bardet-Biedl syndrome 6. Last evaluated: 2024-01-20. Review status: criteria provided, single submitter. Criteria: ACMG Guidelines, 2015. Collection method: clinical testing. Allele origin: germline.

Baylor Genetics
Classification: Pathogenic for Bardet-Biedl syndrome 6. Last evaluated: 2022-09-10. Review status: criteria provided, single submitter. Criteria: ACMG Guidelines, 2015. Collection method: clinical testing. Allele origin: unknown.

Blueprint Genetics
Classification: Likely pathogenic for MKKS-related disorders. Last evaluated: 2021-09-06. Review status: criteria provided, single submitter. Criteria: ACMG Guidelines, 2015. Collection method: clinical testing. Allele origin: germline. Affected: yes. Observed: 2 variant alleles.

PreventionGenetics, part of Exact Sciences
Classification: Pathogenic for MKKS-related condition. Last evaluated: 2024-08-21. Review status: no assertion criteria provided. Collection method: clinical testing. Allele origin: germline. Not counted in ClinVar's aggregate classification.
Comment: The MKKS c.380delG variant is predicted to result in a frameshift and premature protein termination (p.Cys127Serfs*32). This variant was reported in the presumed compound heterozygous state with c.110A>G (p.Tyr37Cys) in an individual with Bardet-Biedl syndrome (Supplementary Table 1, Feuillan et al. 2011. PubMed ID: 21209035). This variant is reported in 0.00088% of alleles in individuals of European (Non-Finnish) descent in gnomAD. Frameshift variants in MKKS are expected to be pathogenic. This variant is interpreted as pathogenic.

Literature cited by the submitters: PubMed 11179009 (cited by Labcorp Genetics (formerly Invitae), Labcorp); PubMed 28761321 (cited by Labcorp Genetics (formerly Invitae), Labcorp); PubMed 30614526 (cited by Labcorp Genetics (formerly Invitae), Labcorp); PubMed 21209035 (cited by Labcorp Genetics (formerly Invitae), Labcorp).

NM_170784.3(MKKS):c.380del (p.Cys127fs)

Gene: MKKS (MKKS centrosomal shuttling protein; minus strand). Cytogenetic location: 20p12.2.
Variant type: Deletion.
Coding change: c.380del on transcript NM_170784.3 (MANE Select); coding-DNA position 380, one base deleted (G; older notation c.380delG).
Protein change: p.Cys127fs; shifts the reading frame from cysteine 127.
Molecular consequence: frameshift variant.
Genome position (GRCh38, 1-based): chr20:10,413,135, C deleted on the plus strand (G on the coding strand, the reverse complement: MKKS is on the minus strand). VCF-style (leftmost placement, unchanged base first): chr20-10413134-GC-G. GRCh37 (hg19) VCF-style: chr20-10393782-GC-G.
Other names: c.380delG (NM_018848.3); c.380del, p.Cys127fs (NM_018848.3); short protein forms C127fs.
Identifiers: ClinVar variation 939663 (VCV000939663.14), dbSNP rs867346158, ClinGen allele CA311324082.